The following is an entry in ClinVar:

NM_001267550.2(TTN):c.17300G>A (p.Ser5767Asn)

Genes: TTN (titin; minus strand), LOC126806431 (CDK7 strongly-dependent group 2 enhancer GRCh37_chr2:179595719-179596918; plus strand). Cytogenetic location: 2q31.2.
Variant type: single nucleotide variant.
Coding change: c.17300G>A on transcript NM_001267550.2 (MANE Select); coding-DNA position 17300, G replaced by A.
Protein change: p.Ser5767Asn; replaces serine 5767 with asparagine.
Molecular consequence: missense variant. On other transcripts: intron variant (3).
Genome position (GRCh38, 1-based): chr2:178,731,466, C>T on the plus strand (G>A on the coding strand, the complement: TTN is on the minus strand). VCF-style: chr2-178731466-C-T. GRCh37 (hg19) VCF-style: chr2-179596193-C-T.
Other names: p.S5450N:AGC>AAC; c.16349G>A, p.Ser5450Asn (NM_001256850.1); c.13568G>A, p.Ser4523Asn (NM_133378.4); c.13282+6616G>A (NM_003319.4); c.13858+6616G>A (NM_133437.4); c.13657+6616G>A (NM_133432.3); short protein forms S5767N, S4523N, S5450N.
Identifiers: ClinVar variation 46626 (VCV000046626.38), dbSNP rs200692495, ClinGen allele CA138796.

ClinVar aggregate classification (germline): Benign/Likely benign. Review status: criteria provided, multiple submitters, no conflicts (2 of 4 stars). 16 submissions from 13 submitters: Benign (6); Likely benign (7). 3 of the submissions do not count toward it. Last evaluated 2026-01-27.

Conditions:
TTN-related disorder. Also called: TTN-related disorders; TTN-related condition; TTN-related disease.
Dilated cardiomyopathy 1G (CMD1G). Identifiers: Orphanet 154, MedGen C1858763, MONDO:0011400, OMIM 604145.
Autosomal recessive limb-girdle muscular dystrophy type 2J (LGMDR10). Also called: MUSCULAR DYSTROPHY, LIMB-GIRDLE, AUTOSOMAL RECESSIVE 10; Limb-girdle muscular dystrophy, type 2J. Identifiers: Orphanet 140922, MedGen C1837342, MONDO:0012127, OMIM 608807.
Early-onset myopathy with fatal cardiomyopathy (CMYO5). Also called: CONGENITAL MYOPATHY 5 WITH CARDIOMYOPATHY; Salih Myopathy. Identifiers: Orphanet 289377, MedGen C2673677, MONDO:0012714, OMIM 611705. Disease mechanism: loss of function.
Myopathy, myofibrillar, 9, with early respiratory failure (MFM9). Also called: Myopathy, distal, with early respiratory failure, autosomal dominant; Hereditary myopathy with early respiratory failure; MYOPATHY, PROXIMAL, WITH EARLY RESPIRATORY MUSCLE INVOLVEMENT; EDSTROM MYOPATHY. Identifiers: Orphanet 178464, Orphanet 34521, MedGen C1863599, MONDO:0011362, OMIM 603689.
Tibial muscular dystrophy (TMD). Also called: Udd Distal Myopathy – Tibial Muscular Dystrophy; Tibial muscular dystrophy, tardive; UDD MYOPATHY. Identifiers: Orphanet 609, MedGen C1838244, MONDO:0010870, OMIM 600334.

Allele frequency attached by ClinVar (database versions not stated): gnomAD exomes 0.00007 and 0.00031; ExAC 0.00038; ESP Exome Variant Server 0.00157; 1000 Genomes Project 30x 0.00172; gnomAD 0.00107 and 0.00103; 1000 Genomes Project 0.00140; TOPMed 0.00120.
gnomAD v4.1: 271 of 1,613,736 alleles (0.017%); highest among the groups gnomAD compares: African/African-American, 0.32%; 1 homozygote.

Submissions (16):

Labcorp Genetics (formerly Invitae), Labcorp
Classification: Likely benign for Dilated cardiomyopathy 1G; Autosomal recessive limb-girdle muscular dystrophy type 2J. Last evaluated: 2026-01-27. Review status: criteria provided, single submitter. Criteria: Invitae Variant Classification Sherloc (09022015). Collection method: clinical testing. Allele origin: germline.

Women's Health and Genetics/Laboratory Corporation of America, LabCorp
Classification: Likely benign. Last evaluated: 2025-12-12. Review status: criteria provided, single submitter. Criteria: LabCorp Variant Classification Summary - May 2015. Collection method: clinical testing. Allele origin: germline.
Comment: Variant summary: TTN c.13568G>A (p.Ser4523Asn) results in a conservative amino acid change located in the I-band region of the encoded protein sequence. Algorithms developed to predict the effect of missense changes on protein structure and function all suggest that this variant is likely to be tolerated. The variant allele was found at a frequency of 0.0004 in 280016 control chromosomes, predominantly at a frequency of 0.0044 within the African or African-American subpopulation in the gnomAD database, including 1 homozygote. The observed variant frequency within African or African-American control individuals in the gnomAD database exceeds the estimated maximal expected allele frequency for disease-causing variants in TTN. c.13568G>A has been observed in individual(s) affected with Arrhythmogenic Right Ventricular Cardiomyopathy/Dysplasia (Fedida_2017). These report(s) do not provide unequivocal conclusions about association of the variant with Dilated Cardiomyopathy. To our knowledge, no experimental evidence demonstrating an impact on protein function has been reported. The following publication have been ascertained in the context of this evaluation (PMID: 28767663). ClinVar contains an entry for this variant (Variation ID: 46626). Based on the evidence outlined above, the variant was classified as likely benign.

Molecular Diagnostic Laboratory for Inherited Cardiovascular Disease, Montreal Heart Institute
Classification: Benign. Last evaluated: 2025-04-09. Review status: criteria provided, single submitter. Criteria: ACMG Guidelines, 2015. Collection method: clinical testing. Allele origin: germline. Affected: no.
Comment: BS1;BP1;BP6

Blueprint Genetics
Classification: Likely benign. Last evaluated: 2024-11-11. Review status: criteria provided, single submitter. Criteria: ACMG Guidelines, 2015. Collection method: clinical testing. Allele origin: germline.

Genome-Nilou Lab
Classification: Benign for Autosomal recessive limb-girdle muscular dystrophy type 2J. Last evaluated: 2021-09-10. Review status: criteria provided, single submitter. Criteria: ACMG Guidelines, 2015. Collection method: clinical testing. Allele origin: germline. Affected: no.

Genome-Nilou Lab
Classification: Benign for Myopathy, myofibrillar, 9, with early respiratory failure. Last evaluated: 2021-09-10. Review status: criteria provided, single submitter. Criteria: ACMG Guidelines, 2015. Collection method: clinical testing. Allele origin: germline. Affected: no.

Genome-Nilou Lab
Classification: Benign for Early-onset myopathy with fatal cardiomyopathy. Last evaluated: 2021-09-10. Review status: criteria provided, single submitter. Criteria: ACMG Guidelines, 2015. Collection method: clinical testing. Allele origin: germline. Affected: no.

Genome-Nilou Lab
Classification: Benign for Tibial muscular dystrophy. Last evaluated: 2021-09-10. Review status: criteria provided, single submitter. Criteria: ACMG Guidelines, 2015. Collection method: clinical testing. Allele origin: germline. Affected: no.

ARUP Laboratories, Molecular Genetics and Genomics, ARUP Laboratories
Classification: Likely benign. Last evaluated: 2021-07-10. Review status: criteria provided, single submitter. Criteria: ARUP Molecular Germline Variant Investigation Process 2021. Collection method: clinical testing. Allele origin: germline.

GeneDx
Classification: Likely benign. Last evaluated: 2020-03-16. Review status: criteria provided, single submitter. Criteria: GeneDx Variant Classification Process June 2021. Collection method: clinical testing. Allele origin: germline. Affected: yes.

Athena Diagnostics
Classification: Benign. Last evaluated: 2016-10-28. Review status: criteria provided, single submitter. Criteria: Athena Diagnostics Criteria. Collection method: clinical testing. Allele origin: germline.

Eurofins Ntd Llc (ga)
Classification: Likely benign. Last evaluated: 2015-08-21. Review status: criteria provided, single submitter. Criteria: EGL Classification Definitions 2015. Collection method: clinical testing. Allele origin: germline. Observed: 2 variant alleles, 2 heterozygotes.

Laboratory for Molecular Medicine, Mass General Brigham Personalized Medicine
Classification: Likely benign. Last evaluated: 2012-01-24. Review status: criteria provided, single submitter. Criteria: LMM Criteria. Collection method: clinical testing. Allele origin: germline. Observed: 4 variant alleles.
Comment: p.Ser4523Asn in exon 56 of TTN: This variant is not expected to have clinical si gnificance because it has been identified in 0.4% (13/3160) of African American chromosomes by the NHLBI Exome Sequencing Project in a broad population.

PreventionGenetics, part of Exact Sciences
Classification: Likely benign for TTN-related condition. Last evaluated: 2021-01-27. Review status: no assertion criteria provided. Collection method: clinical testing. Allele origin: germline. Not counted in ClinVar's aggregate classification.
Comment: This variant is classified as likely benign based on ACMG/AMP sequence variant interpretation guidelines (Richards et al. 2015 PMID: 25741868, with internal and published modifications).

Clinical Genetics, Academic Medical Center
Classification: Benign. Review status: no assertion criteria provided. Collection method: clinical testing. Allele origin: germline. Affected: yes. Study: VKGL Data-share Consensus. Not counted in ClinVar's aggregate classification.

Laboratory of Diagnostic Genome Analysis, Leiden University Medical Center (LUMC)
Classification: Likely benign. Review status: no assertion criteria provided. Collection method: clinical testing. Allele origin: germline. Affected: yes. Study: VKGL Data-share Consensus. Not counted in ClinVar's aggregate classification.

Literature cited by the submitters: PubMed 28767663 (cited by Women's Health and Genetics/Laboratory Corporation of America, LabCorp).